The following is an entry in ClinVar:

NM_001282225.2(ADA2):c.1030C>T (p.Pro344Ser)

Gene: ADA2 (adenosine deaminase 2; minus strand). Cytogenetic location: 22q11.1.
Variant type: single nucleotide variant.
Coding change: c.1030C>T on transcript NM_001282225.2 (MANE Select); coding-DNA position 1030, C replaced by T.
Protein change: p.Pro344Ser; replaces proline 344 with serine.
Molecular consequence: missense variant.
Genome position (GRCh38, 1-based): chr22:17,188,390, G>A on the plus strand (C>T on the coding strand, the complement: ADA2 is on the minus strand). VCF-style: chr22-17188390-G-A. GRCh37 (hg19) VCF-style: chr22-17669280-G-A.
Other names: c.1030C>T, p.Pro344Ser (NM_001282226.2); c.904C>T, p.Pro302Ser (NM_001282227.2, NM_001282228.2); c.670C>T, p.Pro224Ser (NM_001282229.2); c.307C>T, p.Pro103Ser (NM_177405.3); short protein forms P103S, P224S, P302S, P344S.
Identifiers: ClinVar variation 1057441 (VCV001057441.5), dbSNP rs2123633992, ClinGen allele CA410233335.
Genomic context (GRCh38, chr22:17,188,390, plus strand): 5'-CAGGCTCACCTGTTTCTCCGGCGTGGAAGAAGTAAGGCAGCTTAACGCCATCCTTGGCGG[G>A]GATCATCAGAGCTTCCTTGTAGTCATGCAAGGAGTGGCCAGTGTCCTCATGCCCCACCTG-3'
Protein context (NP_001269154.1, residues 334-354): LHDYKEALMI[Pro344Ser]AKDGVKLPYF

ClinVar aggregate classification (germline): Uncertain significance (1 of 4 stars; one submission).

Conditions:
Deficiency of adenosine deaminase 2. Also called: Polyarteritis nodosa, childhoood-onset; Adenosine Deaminase 2 Deficiency; VASCULITIS, AUTOINFLAMMATION, IMMUNODEFICIENCY, AND HEMATOLOGIC DEFECTS SYNDROME. Identifiers: Orphanet 404553, MedGen C3887654, MONDO:0014306, OMIM 615688, MONDO:0100317.

Allele frequency attached by ClinVar (database versions not stated): gnomAD exomes below 0.00001.
gnomAD v4.1: 2 of 1,614,096 alleles (0.00012%); highest among the groups gnomAD compares: Admixed American, 0.0017%; no homozygotes.

Submission:

Labcorp Genetics (formerly Invitae), Labcorp
Classification: Uncertain significance for Deficiency of adenosine deaminase 2. Last evaluated: 2026-01-11. Review status: criteria provided, single submitter. Criteria: Invitae Variant Classification Sherloc (09022015). Collection method: clinical testing. Allele origin: germline.
Comment: This sequence change replaces proline, which is neutral and non-polar, with serine, which is neutral and polar, at codon 344 of the ADA2 protein (p.Pro344Ser). This variant is not present in population databases (gnomAD no frequency). This missense change has been observed in individual(s) with clinical features of polyarteritis nodosa (internal data). In at least one individual the data is consistent with being in trans (on the opposite chromosome) from a pathogenic variant. ClinVar contains an entry for this variant (Variation ID: 1057441). Invitae Evidence Modeling of protein sequence and biophysical properties (such as structural, functional, and spatial information, amino acid conservation, physicochemical variation, residue mobility, and thermodynamic stability) has been performed for this missense variant. However, the output from this modeling did not meet the statistical confidence thresholds required to predict the impact of this variant on ADA2 protein function. In summary, the available evidence is currently insufficient to determine the role of this variant in disease. Therefore, it has been classified as a Variant of Uncertain Significance.